The following is an entry in ClinVar:

ClinVar aggregate classification (germline): Uncertain significance. Review status: criteria provided, multiple submitters, no conflicts (2 of 4 stars). 2 submissions from 2 submitters: Uncertain significance (2). Last evaluated 2025-01-01.

Conditions:
PCDH15-related disorder. Also called: PCDH15-related condition; PCDH15-related disorders.
Inborn genetic diseases. Identifiers: MedGen C0950123, MeSH D030342.

Allele frequency attached by ClinVar (database versions not stated): gnomAD exomes below 0.00001; ExAC 0.00001.
gnomAD v4.1: 6 of 1,611,218 alleles (0.00037%); highest among the groups gnomAD compares: Non-Finnish European, 0.00034%; no homozygotes.

Submissions (2):

Ambry Genetics
Classification: Uncertain significance for Inborn genetic diseases. Last evaluated: 2025-01-01. Review status: criteria provided, single submitter. Criteria: Ambry Variant Classification Scheme 2023. Collection method: clinical testing. Allele origin: germline.

PreventionGenetics, part of Exact Sciences
Classification: Uncertain significance for PCDH15-related condition. Last evaluated: 2022-09-08. Review status: criteria provided, single submitter. Criteria: ACMG Guidelines, 2015. Collection method: clinical testing. Allele origin: germline.
Comment: The PCDH15 c.1022A>G variant is predicted to result in the amino acid substitution p.His341Arg. To our knowledge, this variant has not been reported in the literature. This variant is reported in 0.00088% of alleles in individuals of European (Non-Finnish) descent in gnomAD. At this time, the clinical significance of this variant is uncertain due to the absence of conclusive functional and genetic evidence.

NM_001384140.1(PCDH15):c.1022A>G (p.His341Arg)

Gene: PCDH15 (protocadherin related 15; minus strand). Cytogenetic location: 10q21.1.
Variant type: single nucleotide variant.
Coding change: c.1022A>G on transcript NM_001384140.1 (MANE Select); coding-DNA position 1022, A replaced by G.
Protein change: p.His341Arg; replaces histidine 341 with arginine.
Molecular consequence: missense variant.
Genome position (GRCh38, 1-based): chr10:54,214,012, T>C on the plus strand (A>G on the coding strand, the complement: PCDH15 is on the minus strand). VCF-style: chr10-54214012-T-C. GRCh37 (hg19) VCF-style: chr10-55973772-T-C.
Other names: c.1037A>G, p.His346Arg (NM_001142763.2, NM_001142769.4, NM_001142771.2); c.1022A>G, p.His341Arg (NM_001142764.2, NM_001142765.2, NM_001142766.2 and 7 more transcripts); c.911A>G, p.His304Arg (NM_001142767.2); c.956A>G, p.His319Arg (NM_001142768.2, NM_001142773.2, NM_001354404.2); short protein forms H304R, H319R, H341R, H346R.
Identifiers: ClinVar variation 2628856 (VCV002628856.2), dbSNP rs373721111, ClinGen allele CA5506512.